The following is an entry in ClinVar:

NM_052867.4(NALCN):c.1267-924_1434+2024del

Gene: NALCN (sodium leak channel, non-selective; minus strand). Cytogenetic location: 13q33.1.
Variant type: Deletion.
Coding change: c.1267-924_1434+2024del on transcript NM_052867.4 (MANE Select); 924 bases into the intron before coding-DNA position 1267 through 2024 bases into the intron after coding-DNA position 1434, 3,116 bases deleted.
Molecular consequence: splice acceptor variant, splice donor variant.
Genome position (GRCh38, 1-based): chr13:101,235,731-101,238,846, 3,116 bases deleted. GRCh37 (hg19): chr13:101,888,085-101,891,200.
Other names: c.1180-924_1347+2024del (NM_001350751.2, NM_001350750.2); c.1267-924_1434+2024del (NM_001350749.2, NM_001350748.2).
Identifiers: ClinVar variation 1098701 (VCV001098701.1), ClinGen allele CA2499221938.

ClinVar aggregate classification (germline): Likely pathogenic (1 of 4 stars; one submission).

Conditions:
Hypotonia, infantile, with psychomotor retardation and characteristic facies 1 (INNFD). Identifiers: Orphanet 371364, Orphanet 700336, MedGen C3809454, MONDO:0024567, OMIM 615419.

Submission:

New York Genome Center
Classification: Likely pathogenic for Hypotonia, infantile, with psychomotor retardation and characteristic facies 1. Last evaluated: 2020-06-19. Review status: criteria provided, single submitter. Criteria: NYGC Assertion Criteria 2020. Collection method: clinical testing. Allele origin: inherited. Observed: 1 compound heterozygote. Study: CSER-NYCKidSeq.
Comment: The inherited c.1267-924_1434+2024del variant identified in the NALCN gene is a 3.1KB deletion encompassing exon 12 of NALCN (NM_052867.4) and surrounding intronic sequences. A deletion of exon 12 is predicted to lead to the in-frame deletion 56 amino acids (p.(Val423_Gln478)), however it is unclear how deletion of the surrounding intronic sequencemay affect splicing. Exon 12 is highly conserved throughout vertebrates. This variant is absent from gnomAD SVs(v2.1) and the Database of Genomic Variants (DGV) suggesting is it is not a common benign variant in the populations represented in those databases. This deletion is predicted to span two full transmembrane domains (S2 and S3 of repeat II), several amino acids in the voltage sensor transmembrane domain (S4 of repeat II) as well as the intervening cytoplasmic and extracellular topological domains (UniProtKB:Q8IZF0). This variant was detected in trans with a second likely pathogenic NALCN variant in an indiviudal submitted for clinical testing. Given its absence in population databases, alteration of protein length, and the deletion of conserved functional protein domains, the inherited c.1267-924_1434+2024del variant identified in the NALCN gene is reported here as Likely Pathogenic.